The following is an entry in ClinVar:

NM_014014.5(SNRNP200):c.4080A>T (p.Ala1360=)

Gene: SNRNP200 (small nuclear ribonucleoprotein U5 subunit 200; minus strand). Cytogenetic location: 2q11.2.
Variant type: single nucleotide variant.
Coding change: c.4080A>T on transcript NM_014014.5 (MANE Select); coding-DNA position 4080, A replaced by T.
Protein change: p.Ala1360=; no amino-acid change (alanine 1360 retained).
Molecular consequence: synonymous variant.
Genome position (GRCh38, 1-based): chr2:96,285,264, T>A on the plus strand (A>T on the coding strand, the complement: SNRNP200 is on the minus strand). VCF-style: chr2-96285264-T-A. GRCh37 (hg19) VCF-style: chr2-96951002-T-A.
Identifiers: ClinVar variation 337543 (VCV000337543.16), dbSNP rs547112938, ClinGen allele CA1778304.

ClinVar aggregate classification (germline): Benign/Likely benign. Review status: criteria provided, multiple submitters, no conflicts (2 of 4 stars). 4 submissions from 4 submitters: Benign (1); Likely benign (3). Last evaluated 2025-10-27.

Conditions:
SNRNP200-related disorder. Also called: SNRNP200-related condition.
Retinitis pigmentosa (RP). Identifiers: Orphanet 791, MedGen C0035334, MeSH D012174, MONDO:0019200, OMIM 268000. Inheritance: Autosomal dominant, autosomal recessive and X linked inheritance.

Allele frequency attached by ClinVar (database versions not stated): gnomAD 0.00001 and 0.00013; TOPMed 0.00002; gnomAD exomes 0.00031 and 0.00068; 1000 Genomes Project 30x 0.00062; ExAC 0.00075; 1000 Genomes Project 0.00080.
gnomAD v4.1: 472 of 1,614,172 alleles (0.029%); highest among the groups gnomAD compares: South Asian, 0.49%; 7 homozygotes.

Submissions (4):

Labcorp Genetics (formerly Invitae), Labcorp
Classification: Benign. Last evaluated: 2025-10-27. Review status: criteria provided, single submitter. Criteria: Invitae Variant Classification Sherloc (09022015). Collection method: clinical testing. Allele origin: germline.

PreventionGenetics, part of Exact Sciences
Classification: Likely benign for SNRNP200-related condition. Last evaluated: 2025-03-26. Review status: criteria provided, single submitter. Criteria: ACMG Guidelines, 2015. Collection method: clinical testing. Allele origin: germline.
Comment: This variant is classified as likely benign based on ACMG/AMP sequence variant interpretation guidelines (Richards et al. 2015 PMID: 25741868, with internal and published modifications).

Blueprint Genetics
Classification: Likely benign. Last evaluated: 2024-11-06. Review status: criteria provided, single submitter. Criteria: ACMG Guidelines, 2015. Collection method: clinical testing. Allele origin: germline.

Illumina Laboratory Services, Illumina
Classification: Likely benign for Retinitis pigmentosa. Last evaluated: 2018-01-13. Review status: criteria provided, single submitter. Criteria: ICSL Variant Classification Criteria 13 December 2019. Collection method: clinical testing. Allele origin: germline.
Comment: This variant was observed in the ICSL laboratory as part of a predisposition screen in an ostensibly healthy population. It had not been previously curated by ICSL or reported in the Human Gene Mutation Database (HGMD: prior to June 1st, 2018), and was therefore a candidate for classification through an automated scoring system. Utilizing variant allele frequency, disease prevalence and penetrance estimates, and inheritance mode, an automated score was calculated to assess if this variant is too frequent to cause the disease. Based on the score and internal cut-off values, a variant classified as likely benign is not then subjected to further curation. The score for this variant resulted in a classification of likely benign for this disease.